The following is an entry in ClinVar:

NM_198253.3(TERT):c.650C>G (p.Pro217Arg)

Gene: TERT (telomerase reverse transcriptase; minus strand). Cytogenetic location: 5p15.33.
Variant type: single nucleotide variant.
Coding change: c.650C>G on transcript NM_198253.3 (MANE Select); coding-DNA position 650, C replaced by G.
Protein change: p.Pro217Arg; replaces proline 217 with arginine.
Molecular consequence: missense variant. On other transcripts: non-coding transcript variant (2).
Genome position (GRCh38, 1-based): chr5:1,294,236, G>C on the plus strand (C>G on the coding strand, the complement: TERT is on the minus strand). VCF-style: chr5-1294236-G-C. GRCh37 (hg19) VCF-style: chr5-1294351-G-C.
Other names: c.650C>G, p.Pro217Arg (NM_001193376.3, NM_003219.1); short protein forms P217R.
Identifiers: ClinVar variation 1753956 (VCV001753956.2), dbSNP rs2478422684, ClinGen allele CA359057103.

ClinVar aggregate classification (germline): Uncertain significance (1 of 4 stars; one submission).

Conditions:
Dyskeratosis congenita. Identifiers: Orphanet 1775, MedGen C0265965, MONDO:0015780.

Allele frequency attached by ClinVar (database versions not stated): gnomAD exomes below 0.00001.
gnomAD v4.1: 3 of 1,588,714 alleles (0.00019%); highest among the groups gnomAD compares: Non-Finnish European, 0.00026%; no homozygotes.

Submission:

Ambry Genetics
Classification: Uncertain significance for Dyskeratosis congenita. Last evaluated: 2022-10-01. Review status: criteria provided, single submitter. Criteria: Ambry Variant Classification Scheme 2023. Collection method: clinical testing. Allele origin: germline.
Comment: The p.P217R variant (also known as c.650C>G), located in coding exon 2 of the TERT gene, results from a C to G substitution at nucleotide position 650. The proline at codon 217 is replaced by arginine, an amino acid with dissimilar properties. This amino acid position is conserved. In addition, the in silico prediction for this alteration is inconclusive. Since supporting evidence is limited at this time, the clinical significance of this alteration remains unclear.